The following is an entry in ClinVar:

ClinVar aggregate classification (germline): Uncertain significance (1 of 4 stars; one submission).

Submission:

GeneDx
Classification: Uncertain significance. Last evaluated: 2024-07-11. Review status: criteria provided, single submitter. Criteria: GeneDx Variant Classification Process June 2021. Collection method: clinical testing. Allele origin: germline. Affected: yes.
Comment: Not observed at significant frequency in large population cohorts (gnomAD); In silico analysis supports that this missense variant has a deleterious effect on protein structure/function; Has not been previously published as pathogenic or benign to our knowledge

NM_001348716.2(KDM6B):c.481G>T (p.Gly161Cys)

Gene: KDM6B (lysine demethylase 6B; plus strand). Cytogenetic location: 17p13.1.
Variant type: single nucleotide variant.
Coding change: c.481G>T on transcript NM_001348716.2 (MANE Select); coding-DNA position 481, G replaced by T.
Protein change: p.Gly161Cys; replaces glycine 161 with cysteine.
Molecular consequence: missense variant.
Genome position (GRCh38, 1-based): chr17:7,846,424, G>T. VCF-style: chr17-7846424-G-T. GRCh37 (hg19) VCF-style: chr17-7749742-G-T.
Other names: c.481G>T, p.Gly161Cys (NM_001080424.2); short protein forms G161C.
Identifiers: ClinVar variation 3572775 (VCV003572775.1).